The following is an entry in ClinVar:

ClinVar aggregate classification (germline): Conflicting classifications of pathogenicity. Review status: criteria provided, conflicting classifications (1 of 4 stars). 5 submissions from 5 submitters: Likely pathogenic (1); Uncertain significance (3). 1 of the submissions does not count toward it. Last evaluated 2025-01-15.

Conditions:
Propionic acidemia (PROP). Also called: GLYCINEMIA, KETOTIC; HYPERGLYCINEMIA WITH KETOACIDOSIS AND LEUKOPENIA; KETOTIC HYPERGLYCINEMIA. Identifiers: Orphanet 35, MedGen C0268579, MONDO:0011628, OMIM 606054, HP:0003571.

Allele frequency attached by ClinVar (database versions not stated): gnomAD exomes below 0.00001; TOPMed below 0.00001; gnomAD 0.00001.
gnomAD v4.1: 4 of 1,610,266 alleles (0.00025%); highest among the groups gnomAD compares: African/African-American, 0.0013%; no homozygotes.

Submissions (5):

Natera, Inc.
Classification: Likely pathogenic for Propionic acidemia. Last evaluated: 2025-01-15. Review status: criteria provided, single submitter. Criteria: Natera Variant Classification Schema (03/2026). Collection method: clinical testing. Allele origin: germline.
Comment: The c.223G>C variant in PCCA is a missense variant predicted to cause substitution of alanine to proline at amino acid 75. This variant is rare in the general population with a frequency below the threshold expected for the associated phenotype(s). This variant has been observed in one or more individuals affected with the associated recessive disease, as either homozygous or compound heterozygous with a second variant (PMID: 27900673). Functional studies show that this variant may disrupt protein function (PMID: 12385775). Computational prediction algorithms indicate this variant is likely to affect gene or protein function. Given the available evidence, this variant is classified as Likely Pathogenic.

Women's Health and Genetics/Laboratory Corporation of America, LabCorp
Classification: Uncertain significance. Last evaluated: 2023-04-05. Review status: criteria provided, single submitter. Criteria: LabCorp Variant Classification Summary - May 2015. Collection method: clinical testing. Allele origin: germline.
Comment: Variant summary: PCCA c.223G>C (p.Ala75Pro) results in a non-conservative amino acid change located in the N-terminal domain (IPR005481) of the encoded protein sequence. Five of five in-silico tools predict a damaging effect of the variant on protein function. The variant was absent in 250608 control chromosomes (gnomAD). The variant, c.223G>C (aka c.148G>C / A50P) has been reported in the literature in at least two compound heterozygous individuals who were affected with a milder form of Propionic Acidemia (Campeau_1999, Cappuccio_2016). These data indicate that the variant may be associated with disease. A publication reported experimental evidence evaluating an impact on protein function, and demonstrated decreased enzyme activity (likely as a result of increased degradation), with a relatively high residual activity (15-30%) in a PCCA-deficient fibroblast system (Clavero_2002). Two clinical diagnostic laboratories have submitted clinical-significance assessments for this variant to ClinVar after 2014 without evidence for independent evaluation. All laboratories classified the variant as uncertain significance. Based on the evidence outlined above, the variant was classified as VUS-possibly pathogenic.

Labcorp Genetics (formerly Invitae), Labcorp
Classification: Uncertain significance for Propionic acidemia. Last evaluated: 2022-05-28. Review status: criteria provided, single submitter. Criteria: Invitae Variant Classification Sherloc (09022015). Collection method: clinical testing. Allele origin: germline.
Comment: This sequence change replaces alanine, which is neutral and non-polar, with proline, which is neutral and non-polar, at codon 75 of the PCCA protein (p.Ala75Pro). This variant is present in population databases (rs794727479, gnomAD 0.01%). This missense change has been observed in individual(s) with clinical features of propionic acidemia (PMID: 10329019, 27900673). This variant is also known as 148G->C (A50P). ClinVar contains an entry for this variant (Variation ID: 196245). Advanced modeling of protein sequence and biophysical properties (such as structural, functional, and spatial information, amino acid conservation, physicochemical variation, residue mobility, and thermodynamic stability) performed at Invitae indicates that this missense variant is expected to disrupt PCCA protein function. Experimental studies have shown that this missense change affects PCCA function (PMID: 12385775). In summary, the available evidence is currently insufficient to determine the role of this variant in disease. Therefore, it has been classified as a Variant of Uncertain Significance.

Eurofins Ntd Llc (ga)
Classification: Uncertain significance. Last evaluated: 2014-12-02. Review status: criteria provided, single submitter. Criteria: EGL Classification Definitions 2015. Collection method: clinical testing. Allele origin: germline. Observed: 1 variant allele, 1 heterozygote.

Counsyl
Classification: Uncertain significance for Propionic acidemia. Last evaluated: 2018-06-04. Review status: no assertion criteria provided. Collection method: clinical testing. Allele origin: unknown. Not counted in ClinVar's aggregate classification.

Literature cited by the submitters: PubMed 27900673 (cited by 4 submitters); PubMed 12385775 (cited by 4 submitters); PubMed 10329019 (cited by 4 submitters); PubMed 23648696 (cited by Women's Health and Genetics/Laboratory Corporation of America, LabCorp).

NM_000282.4(PCCA):c.223G>C (p.Ala75Pro)

Gene: PCCA (propionyl-CoA carboxylase subunit alpha; plus strand). Cytogenetic location: 13q32.3.
Variant type: single nucleotide variant.
Coding change: c.223G>C on transcript NM_000282.4 (MANE Select); coding-DNA position 223, G replaced by C.
Protein change: p.Ala75Pro; replaces alanine 75 with proline.
Molecular consequence: missense variant. On other transcripts: 5 prime UTR variant (3), non-coding transcript variant (5).
Genome position (GRCh38, 1-based): chr13:100,111,880, G>C. VCF-style: chr13-100111880-G-C. GRCh37 (hg19) VCF-style: chr13-100764134-G-C.
Other names: c.145G>C, p.Ala49Pro (NM_001127692.3, NM_001352607.2, NM_001352608.2); c.223G>C, p.Ala75Pro (NM_001178004.2, NM_001352605.2, NM_001352606.2 and 1 more transcripts); c.-644G>C (NM_001352610.2, NM_001352611.2, NM_001352612.2); short protein forms A75P, A49P.
Identifiers: ClinVar variation 196245 (VCV000196245.9), dbSNP rs794727479, ClinGen allele CA243135.
Genomic context (GRCh38, chr13:100,111,880, plus strand): 5'-ATGTGTTTTTTCTCTCTTCAGACTTTTGATAAAATTCTTGTTGCTAATAGAGGAGAAATT[G>C]CATGTCGGGTGAGTAGAATTTTCGTCTTATTTTCCATTTTACTCTGAAATTATTTATTAA-3'
Protein context (NP_000273.2, residues 65-85): KILVANRGEI[Ala75Pro]CRVIRTCKKM